The following is an entry in ClinVar:

NM_172369.5(C1QC):c.152A>T (p.Asp51Val)

Gene: C1QC (complement C1q C chain; plus strand). Cytogenetic location: 1p36.12.
Variant type: single nucleotide variant.
Coding change: c.152A>T on transcript NM_172369.5 (MANE Select); coding-DNA position 152, A replaced by T.
Protein change: p.Asp51Val; replaces aspartic acid 51 with valine.
Molecular consequence: missense variant. On other transcripts: intron variant (1).
Genome position (GRCh38, 1-based): chr1:22,644,175, A>T. VCF-style: chr1-22644175-A-T. GRCh37 (hg19) VCF-style: chr1-22970668-A-T.
Other names: c.152A>T, p.Asp51Val (NM_001114101.3, NM_001347619.2); c.-87+461A>T (NM_001347620.2); short protein forms D51V.
Identifiers: ClinVar variation 1370689 (VCV001370689.3), dbSNP rs764470926, ClinGen allele CA677900.

ClinVar aggregate classification (germline): Uncertain significance (1 of 4 stars; one submission).

Allele frequency attached by ClinVar (database versions not stated): gnomAD 0.00001; gnomAD exomes 0.00001; TOPMed 0.00002.

Submission:

Labcorp Genetics (formerly Invitae), Labcorp
Classification: Uncertain significance. Last evaluated: 2021-12-19. Review status: criteria provided, single submitter. Criteria: Invitae Variant Classification Sherloc (09022015). Collection method: clinical testing. Allele origin: germline.
Comment: This sequence change replaces aspartic acid, which is acidic and polar, with valine, which is neutral and non-polar, at codon 51 of the C1QC protein (p.Asp51Val). This variant is present in population databases (rs764470926, gnomAD 0.01%). This variant has not been reported in the literature in individuals affected with C1QC-related conditions. Algorithms developed to predict the effect of missense changes on protein structure and function are either unavailable or do not agree on the potential impact of this missense change (SIFT: "Deleterious"; PolyPhen-2: "Probably Damaging"; Align-GVGD: "Class C15"). In summary, the available evidence is currently insufficient to determine the role of this variant in disease. Therefore, it has been classified as a Variant of Uncertain Significance.